The following is an entry in ClinVar:

NM_001103.4(ACTN2):c.616-1G>A

Gene: ACTN2 (actinin alpha 2; plus strand). Cytogenetic location: 1q43.
Variant type: single nucleotide variant.
Coding change: c.616-1G>A on transcript NM_001103.4 (MANE Select); the canonical splice acceptor site of the intron before coding-DNA position 616, G replaced by A.
Molecular consequence: splice acceptor variant.
Genome position (GRCh38, 1-based): chr1:236,731,232, G>A. VCF-style: chr1-236731232-G-A. GRCh37 (hg19) VCF-style: chr1-236894532-G-A.
Other names: c.616-1G>A (NM_001278343.2).
Identifiers: ClinVar variation 1030143 (VCV001030143.1), dbSNP rs1658704090, ClinGen allele CA345375755.
Genomic context (GRCh38, chr1:236,731,232, plus strand): 5'-TCTTCATAAGTCTTGTTTCAAAATATATTTTAAAAATCTGACTGTCTTGGTTTTCATACA[G>A]GATGACCCCATAGGAAATATTAACCTGGCCATGGAAATCGCTGAGAAGCACCTGGATATT-3'

ClinVar aggregate classification (germline): Uncertain significance (1 of 4 stars; one submission).

Conditions:
Dilated cardiomyopathy 1AA (CMD1AA). Also called: CARDIOMYOPATHY, DILATED, 1AA, WITH OR WITHOUT LEFT VENTRICULAR NONCOMPACTION; CARDIOMYOPATHY, FAMILIAL HYPERTROPHIC, 23, WITH OR WITHOUT LEFT VENTRICULAR NONCOMPACTION; Cardiomyopathy, dilated, 1AA, with or without LVNC. Identifiers: Orphanet 154, MedGen C2677338, MONDO:0012808, OMIM 612158.

Submission:

Baylor Genetics
Classification: Uncertain significance for Dilated cardiomyopathy 1AA. Last evaluated: 2020-06-11. Review status: criteria provided, single submitter. Criteria: ACMG Guidelines, 2015. Collection method: clinical testing. Allele origin: unknown. Affected: yes.
Comment: This variant was determined to be of uncertain significance according to ACMG Guidelines, 2015 [PMID:25741868].